The following is an entry in ClinVar:

ClinVar aggregate classification (germline): Benign. Review status: criteria provided, single submitter (1 of 4 stars). 2 submissions from 2 submitters: Benign (1). 1 of the submissions does not count toward it. Last evaluated 2025-02-23.

Conditions:
KAT6A-related disorder. Also called: KAT6A-related condition.

Allele frequency attached by ClinVar (database versions not stated): gnomAD exomes 0.00001; ExAC 0.00006; TOPMed below 0.00001.
gnomAD v4.1: 20 of 1,614,182 alleles (0.0012%); highest among the groups gnomAD compares: Non-Finnish European, 0.0016%; no homozygotes.

Submissions (2):

Labcorp Genetics (formerly Invitae), Labcorp
Classification: Benign. Last evaluated: 2025-02-23. Review status: criteria provided, single submitter. Criteria: Invitae Variant Classification Sherloc (09022015). Collection method: clinical testing. Allele origin: germline.

PreventionGenetics, part of Exact Sciences
Classification: Likely benign for KAT6A-related condition. Last evaluated: 2019-05-24. Review status: no assertion criteria provided. Collection method: clinical testing. Allele origin: germline. Not counted in ClinVar's aggregate classification.
Comment: This variant is classified as likely benign based on ACMG/AMP sequence variant interpretation guidelines (Richards et al. 2015 PMID: 25741868, with internal and published modifications).

NM_006766.5(KAT6A):c.2943C>T (p.Leu981=)

Gene: KAT6A (lysine acetyltransferase 6A; minus strand). Cytogenetic location: 8p11.21.
Variant type: single nucleotide variant.
Coding change: c.2943C>T on transcript NM_006766.5 (MANE Select); coding-DNA position 2943, C replaced by T.
Protein change: p.Leu981=; no amino-acid change (leucine 981 retained).
Molecular consequence: synonymous variant.
Genome position (GRCh38, 1-based): chr8:41,940,938, G>A on the plus strand (C>T on the coding strand, the complement: KAT6A is on the minus strand). VCF-style: chr8-41940938-G-A. GRCh37 (hg19) VCF-style: chr8-41798456-G-A.
Identifiers: ClinVar variation 3038864 (VCV003038864.4), dbSNP rs760485321, ClinGen allele CA4729803.